The following is an entry in ClinVar:

NM_001171613.2(PREPL):c.850G>A (p.Val284Met)

Gene: PREPL (prolyl endopeptidase like; minus strand). Cytogenetic location: 2p21.
Variant type: single nucleotide variant.
Coding change: c.850G>A on transcript NM_001171613.2 (MANE Select); coding-DNA position 850, G replaced by A.
Protein change: p.Val284Met; replaces valine 284 with methionine.
Molecular consequence: missense variant. On other transcripts: intron variant (1).
Genome position (GRCh38, 1-based): chr2:44,338,389, C>T on the plus strand (G>A on the coding strand, the complement: PREPL is on the minus strand). VCF-style: chr2-44338389-C-T. GRCh37 (hg19) VCF-style: chr2-44565528-C-T.
Other names: c.1117G>A, p.Val373Met (NM_001042386.2, NM_001171603.1, NM_001171606.2 and 3 more transcripts); c.850G>A, p.Val284Met (NM_001171617.1, NM_001374277.1); c.969+758G>A (NM_001042385.2); short protein forms V284M, V373M.
Identifiers: ClinVar variation 1475557 (VCV001475557.4), dbSNP rs774240653, ClinGen allele CA1641327.
Genomic context (GRCh38, chr2:44,338,389, plus strand): 5'-AACTTCTGAAAATTAAACATACCTTTAGAGACCGAACTGAATCATCAGCCAGACCAATCA[C>T]ATTAACATAAAGGAGATTGCTGTGCTTCAGAAATAGAACACAGTGATCCTTAAACATGTC-3'
Protein context (NP_001165084.1, residues 274-294): LKHSNLLYVN[Val284Met]IGLADDSVRS

ClinVar aggregate classification (germline): Uncertain significance (1 of 4 stars; one submission).

Conditions:
Myasthenic syndrome, congenital, 22 (CMS22). Also called: PREPL DEFICIENCY. Identifiers: MedGen C4479088, MONDO:0044299, OMIM 616224.

Allele frequency attached by ClinVar (database versions not stated): ExAC 0.00001; gnomAD exomes below 0.00001.
gnomAD v4.1: 2 of 1,613,230 alleles (0.00012%); highest among the groups gnomAD compares: South Asian, 0.0011%; no homozygotes.

Submission:

Labcorp Genetics (formerly Invitae), Labcorp
Classification: Uncertain significance for Myasthenic syndrome, congenital, 22. Last evaluated: 2022-07-05. Review status: criteria provided, single submitter. Criteria: Invitae Variant Classification Sherloc (09022015). Collection method: clinical testing. Allele origin: germline.
Comment: In summary, the available evidence is currently insufficient to determine the role of this variant in disease. Therefore, it has been classified as a Variant of Uncertain Significance. Algorithms developed to predict the effect of missense changes on protein structure and function are either unavailable or do not agree on the potential impact of this missense change (SIFT: "Deleterious"; PolyPhen-2: "Probably Damaging"; Align-GVGD: "Class C0"). ClinVar contains an entry for this variant (Variation ID: 1475557). This variant has not been reported in the literature in individuals affected with PREPL-related conditions. The frequency data for this variant in the population databases is considered unreliable, as metrics indicate poor data quality at this position in the gnomAD database. This sequence change replaces valine, which is neutral and non-polar, with methionine, which is neutral and non-polar, at codon 373 of the PREPL protein (p.Val373Met).